The following is an entry in ClinVar:

ClinVar aggregate classification (germline): Conflicting classifications of pathogenicity. Review status: criteria provided, conflicting classifications (1 of 4 stars). 7 submissions from 7 submitters: Likely pathogenic (2); Uncertain significance (4). 1 of the submissions does not count toward it. Last evaluated 2025-10-14.

Conditions:
Immunodeficiency 96 (IMD96). Identifiers: MedGen C5676930, MONDO:0030693, OMIM 619774.

Allele frequency attached by ClinVar (database versions not stated): gnomAD 0.00001; gnomAD exomes 0.00002 and 0.00004; ExAC 0.00005.
gnomAD v4.1: 42 of 1,613,568 alleles (0.0026%); highest among the groups gnomAD compares: Non-Finnish European, 0.0027%; no homozygotes.

Submissions (7):

Labcorp Genetics (formerly Invitae), Labcorp
Classification: Uncertain significance. Last evaluated: 2025-10-14. Review status: criteria provided, single submitter. Criteria: Invitae Variant Classification Sherloc (09022015). Collection method: clinical testing. Allele origin: germline.
Comment: This sequence change replaces arginine, which is basic and polar, with tryptophan, which is neutral and slightly polar, at codon 771 of the LIG1 protein (p.Arg771Trp). This variant is present in population databases (rs121434561, gnomAD 0.006%). This missense change has been observed in individual(s) with DNA ligase I deficiency (PMID: 1581963, 30395541). ClinVar contains an entry for this variant (Variation ID: 16776). An algorithm developed to predict the effect of missense changes on protein structure and function (PolyPhen-2) suggests that this variant is likely to be disruptive. Experimental studies have shown that this missense change affects LIG1 function (PMID: 30395541, 32914844, 33600799). In summary, the available evidence is currently insufficient to determine the role of this variant in disease. Therefore, it has been classified as a Variant of Uncertain Significance.

Broad Center for Mendelian Genomics, Broad Institute of MIT and Harvard
Classification: Likely pathogenic for Immunodeficiency 96. Last evaluated: 2024-12-10. Review status: criteria provided, single submitter. Criteria: ACMG Guidelines, 2015. Collection method: curation. Allele origin: germline. Inheritance: Autosomal recessive inheritance. Study: GREGoR Consortium.
Comment: Trio genome analysis revealed that this variant was in trans with the variant of uncertain significance. The p.Arg771Trp variant in LIG1 has been reported in 4 individuals with LIG1 immunodeficiency 96 (PMID: 30395541,1581963), and has been identified in 0.002% (32/1179888) of European (non-Finnish) chromosomes by the Genome Aggregation Database (gnomAD; dbSNP rs121434561). Although this variant has been seen in the general population in a heterozygous state, its frequency is low enough to be consistent with a recessive carrier frequency. This variant has also been reported in ClinVar (Variation ID: 16776) and has been interpreted as pathogenic/likely pathogenic by OMIM and Laboratorio de Genetica e Diagnostico Molecular (Hospital Israelita Albert Einstein), and as a variant of uncertain significance by Labcorp Genetics and Fulgent Genetics. Of the 4 affected individuals, 1 was a compound heterozygote that carried a reported pathogenic variant in trans, which increases the likelihood that the p.Arg771Trp variant is pathogenic (Variation ID: 16775; PMID: 1581963). In vitro functional studies provide some evidence that the p.Arg771Trp variant may impact protein function (PMID: 30395541, 32914844). However, these types of assays may not accurately represent biological function. Computational prediction tools and conservation analyses suggest that this variant may impact the protein, though this information is not predictive enough to determine pathogenicity. In summary, although additional studies are required to fully establish its clinical significance, this variant is likely pathogenic for autosomal recessive LIG1 immunodeficiency 96. ACMG/AMP Criteria applied: PP3_moderate, PS3_moderate, PM3, PM2_supporting (Richards 2015).

Blueprint Genetics
Classification: Uncertain significance. Last evaluated: 2024-10-24. Review status: criteria provided, single submitter. Criteria: ACMG Guidelines, 2015. Collection method: clinical testing. Allele origin: germline.

GeneDx
Classification: Uncertain significance. Last evaluated: 2024-08-19. Review status: criteria provided, single submitter. Criteria: GeneDx Variant Classification Process June 2021. Collection method: clinical testing. Allele origin: germline. Affected: yes.
Comment: Published functional studies demonstrate this variant impairs the function of LIG1 (PMID: 32914844, 30395541); In silico analysis supports that this missense variant has a deleterious effect on protein structure/function; This variant is associated with the following publications: (PMID: 18440984, 30395541, 33600799, 19223467, 33444456, 27155933, 21378394, 23469164, Balu[article]2024, 38896336, 8264597, 1581963, 1351188, 32914844)

Laboratorio de Genetica e Diagnostico Molecular, Hospital Israelita Albert Einstein
Classification: Likely pathogenic for Immunodeficiency 96. Last evaluated: 2022-12-22. Review status: criteria provided, single submitter. Criteria: ACMG Guidelines, 2015. Collection method: clinical testing. Allele origin: germline. Affected: yes. Observed: 1 variant allele.
Comment: ACMG classification criteria: PS3 supporting, PM2 supporting, PM3 moderated, PP1 supporting, PP3 supporting

Fulgent Genetics
Classification: Uncertain significance for Immunodeficiency 96. Last evaluated: 2022-05-09. Review status: criteria provided, single submitter. Criteria: ACMG Guidelines, 2015. Collection method: clinical testing. Allele origin: unknown.

OMIM
Classification: Pathogenic for IMMUNODEFICIENCY 96. Last evaluated: 2009-04-01. Review status: no assertion criteria provided. Collection method: literature only. Allele origin: germline. Not counted in ClinVar's aggregate classification.

Literature cited by the submitters: PubMed 1581963 (cited by Labcorp Genetics (formerly Invitae), Labcorp and OMIM); PubMed 30395541 (cited by Labcorp Genetics (formerly Invitae), Labcorp and OMIM); PubMed 32914844 (cited by Labcorp Genetics (formerly Invitae), Labcorp); PubMed 33600799 (cited by Labcorp Genetics (formerly Invitae), Labcorp); PubMed 19223467 (cited by OMIM).

NM_000234.3(LIG1):c.2311C>T (p.Arg771Trp)

Gene: LIG1 (DNA ligase 1; minus strand). Cytogenetic location: 19q13.33.
Variant type: single nucleotide variant.
Coding change: c.2311C>T on transcript NM_000234.3 (MANE Select); coding-DNA position 2311, C replaced by T.
Protein change: p.Arg771Trp; replaces arginine 771 with tryptophan.
Molecular consequence: missense variant. On other transcripts: non-coding transcript variant (6).
Genome position (GRCh38, 1-based): chr19:48,121,244, G>A on the plus strand (C>T on the coding strand, the complement: LIG1 is on the minus strand). VCF-style: chr19-48121244-G-A. GRCh37 (hg19) VCF-style: chr19-48624501-G-A.
Other names: NM_000234.3(LIG1):c.2311C>T; c.2218C>T, p.Arg740Trp (NM_001289063.2); c.2107C>T, p.Arg703Trp (NM_001289064.2); c.2308C>T, p.Arg770Trp (NM_001320970.2); c.2221C>T, p.Arg741Trp (NM_001320971.2); c.2311C>T (NM_000234.1); short protein forms R771W, R740W, R703W, R741W, R770W.
Identifiers: ClinVar variation 16776 (VCV000016776.14), dbSNP rs121434561, ClinGen allele CA126875.